The following is an entry in ClinVar:

NM_001368894.2(PAX6):c.964T>C (p.Ser322Pro)

Gene: PAX6 (paired box 6; minus strand). Cytogenetic location: 11p13.
Variant type: single nucleotide variant.
Coding change: c.964T>C on transcript NM_001368894.2 (MANE Select); coding-DNA position 964, T replaced by C.
Protein change: p.Ser322Pro; replaces serine 322 with proline.
Molecular consequence: missense variant. On other transcripts: non-coding transcript variant (2).
Genome position (GRCh38, 1-based): chr11:31,793,548, A>G on the plus strand (T>C on the coding strand, the complement: PAX6 is on the minus strand). VCF-style: chr11-31793548-A-G. GRCh37 (hg19) VCF-style: chr11-31815096-A-G.
Other names: c.922T>C, p.Ser308Pro (NM_000280.6, NM_001127612.3, NM_001258464.2 and 10 more transcripts); c.964T>C, p.Ser322Pro (NM_001258462.3, NM_001258463.2, NM_001310158.2 and 6 more transcripts); c.514T>C, p.Ser172Pro (NM_001310160.2, NM_001310161.3, NM_001368899.2 and 11 more transcripts); c.1165T>C, p.Ser389Pro (NM_001368910.2); c.967T>C, p.Ser323Pro (NM_001368911.2); c.1039T>C, p.Ser347Pro (NM_001368918.2, NM_001368919.2); c.997T>C, p.Ser333Pro (NM_001368920.2); c.763T>C, p.Ser255Pro (NM_001368921.2, NM_001368922.2, NM_001368923.2 and 4 more transcripts); and 2 more; short protein forms S172P, S308P, S322P, S389P, S241P, S333P, S347P, S107P.
Identifiers: ClinVar variation 4791861 (VCV004791861.1).

ClinVar aggregate classification (germline): Uncertain significance (1 of 4 stars; one submission).

Conditions:
Aniridia 1 (AN1). Identifiers: Orphanet 250923, MedGen C0344542, MONDO:0024507, OMIM 106210.
Irido-corneo-trabecular dysgenesis (ASGD5). Also called: ANTERIOR SEGMENT DYSGENESIS 5. Identifiers: Orphanet 708, MedGen C0344559, MONDO:0011414, OMIM 604229, HP:0000659.

gnomAD v4.1: 8 of 1,614,206 alleles (0.0005%); highest among the groups gnomAD compares: South Asian, 0.0088%; no homozygotes.

Submission:

Labcorp Genetics (formerly Invitae), Labcorp
Classification: Uncertain significance for Aniridia 1; Irido-corneo-trabecular dysgenesis. Last evaluated: 2025-08-10. Review status: criteria provided, single submitter. Criteria: Invitae Variant Classification Sherloc (09022015). Collection method: clinical testing. Allele origin: germline.
Comment: This sequence change replaces serine, which is neutral and polar, with proline, which is neutral and non-polar, at codon 308 of the PAX6 protein (p.Ser308Pro). This variant is present in population databases (rs761616236, gnomAD 0.01%). This variant has not been reported in the literature in individuals affected with PAX6-related conditions. Invitae Evidence Modeling of protein sequence and biophysical properties (such as structural, functional, and spatial information, amino acid conservation, physicochemical variation, residue mobility, and thermodynamic stability) indicates that this missense variant is not expected to disrupt PAX6 protein function with a negative predictive value of 80%. In summary, the available evidence is currently insufficient to determine the role of this variant in disease. Therefore, it has been classified as a Variant of Uncertain Significance.